The following is an entry in ClinVar:

NM_174936.4(PCSK9):c.500G>A (p.Arg167Gln)

Gene: PCSK9 (proprotein convertase subtilisin/kexin type 9; plus strand). Cytogenetic location: 1p32.3.
Variant type: single nucleotide variant.
Coding change: c.500G>A on transcript NM_174936.4 (MANE Select); coding-DNA position 500, G replaced by A.
Protein change: p.Arg167Gln; replaces arginine 167 with glutamine.
Molecular consequence: missense variant.
Genome position (GRCh38, 1-based): chr1:55,046,623, G>A. VCF-style: chr1-55046623-G-A. GRCh37 (hg19) VCF-style: chr1-55512296-G-A.
Other names: short protein forms R167Q.
Identifiers: ClinVar variation 918178 (VCV000918178.8), dbSNP rs779384470, ClinGen allele CA042555.

ClinVar aggregate classification (germline): Conflicting classifications of pathogenicity. Review status: criteria provided, conflicting classifications (1 of 4 stars). 5 submissions from 5 submitters: Uncertain significance (2); Likely benign (3). Last evaluated 2025-10-07.

Conditions:
Cardiovascular phenotype. Identifiers: MedGen CN230736.
Familial hypercholesterolemia. Also called: Familial hypercholesterolemias; Familial hypercholesterolaemia. Identifiers: MedGen C0020445, MONDO:0005439.
Hypercholesterolemia, autosomal dominant, 3 (FHCL3). Also called: Familial hypercholesterolemia 3; Familial Hypercholesterolemia, Autosomal Dominant, 3; PCSK9-Related Familial Hypercholesterolemia, Autosomal Dominant. Identifiers: MedGen C1863551, MONDO:0011369, OMIM 603776.

Allele frequency attached by ClinVar (database versions not stated): ExAC 0.00002; TOPMed 0.00002; gnomAD exomes 0.00003 and 0.00004.
gnomAD v4.1: 41 of 1,613,834 alleles (0.0025%); highest among the groups gnomAD compares: Middle Eastern, 0.049%; no homozygotes.

Submissions (5):

Labcorp Genetics (formerly Invitae), Labcorp
Classification: Uncertain significance for Hypercholesterolemia, autosomal dominant, 3. Last evaluated: 2025-10-07. Review status: criteria provided, single submitter. Criteria: Invitae Variant Classification Sherloc (09022015). Collection method: clinical testing. Allele origin: germline.
Comment: This sequence change replaces arginine, which is basic and polar, with glutamine, which is neutral and polar, at codon 167 of the PCSK9 protein (p.Arg167Gln). This variant is present in population databases (rs779384470, gnomAD 0.01%). This variant has not been reported in the literature in individuals affected with PCSK9-related conditions. ClinVar contains an entry for this variant (Variation ID: 918178). Invitae Evidence Modeling of protein sequence and biophysical properties (such as structural, functional, and spatial information, amino acid conservation, physicochemical variation, residue mobility, and thermodynamic stability) indicates that this missense variant is not expected to disrupt PCSK9 protein function with a negative predictive value of 95%. In summary, the available evidence is currently insufficient to determine the role of this variant in disease. Therefore, it has been classified as a Variant of Uncertain Significance.

Color Diagnostics, LLC DBA Color Health
Classification: Likely benign for Familial hypercholesterolemia. Last evaluated: 2024-09-04. Review status: criteria provided, single submitter. Criteria: ACMG Guidelines, 2015. Collection method: clinical testing. Allele origin: germline.

Women's Health and Genetics/Laboratory Corporation of America, LabCorp
Classification: Uncertain significance. Last evaluated: 2024-08-05. Review status: criteria provided, single submitter. Criteria: LabCorp Variant Classification Summary - May 2015. Collection method: clinical testing. Allele origin: germline.
Comment: Variant summary: PCSK9 c.500G>A (p.Arg167Gln) results in a conservative amino acid change located in the Peptidase S8/S53 domain (IPR000209) of the encoded protein sequence. Five of five in-silico tools predict a benign effect of the variant on protein function. The variant allele was found at a frequency of 3.6e-05 in 251264 control chromosomes, predominantly at a frequency of 0.00013 within the South Asian subpopulation in the gnomAD database. The available data on variant occurrences in the general population are insufficient to allow any conclusion about variant significance. To our knowledge, no occurrence of c.500G>A in individuals affected with Familial Hypercholesterolemia and no experimental evidence demonstrating its impact on protein function have been reported. ClinVar contains an entry for this variant (Variation ID: 918178). Based on the evidence outlined above, the variant was classified as uncertain significance.

Ambry Genetics
Classification: Likely benign for Cardiovascular phenotype. Last evaluated: 2022-06-03. Review status: criteria provided, single submitter. Criteria: Ambry Variant Classification Scheme 2023. Collection method: clinical testing. Allele origin: germline.

Breakthrough Genomics
Classification: Likely benign. Review status: criteria provided, single submitter. Criteria: ACMG Guidelines, 2015. Collection method: not provided. Allele origin: germline. Inheritance: Autosomal dominant inheritance. Affected: yes.